The following is an entry in ClinVar:

ClinVar aggregate classification (germline): Uncertain significance. Review status: criteria provided, multiple submitters, no conflicts (2 of 4 stars). 2 submissions from 2 submitters: Uncertain significance (2). Last evaluated 2025-08-21.

Conditions:
Inborn genetic diseases. Identifiers: MedGen C0950123, MeSH D030342.

Allele frequency attached by ClinVar (database versions not stated): gnomAD 0.00001; gnomAD exomes 0.00001; TOPMed 0.00001; ExAC 0.00002.
gnomAD v4.1: 7 of 1,614,118 alleles (0.00043%); highest among the groups gnomAD compares: Admixed American, 0.0017%; no homozygotes.

Submissions (2):

Ambry Genetics
Classification: Uncertain significance for Inborn genetic diseases. Last evaluated: 2025-08-21. Review status: criteria provided, single submitter. Criteria: Ambry Variant Classification Scheme 2023. Collection method: clinical testing. Allele origin: germline.

Labcorp Genetics (formerly Invitae), Labcorp
Classification: Uncertain significance. Last evaluated: 2024-06-20. Review status: criteria provided, single submitter. Criteria: Invitae Variant Classification Sherloc (09022015). Collection method: clinical testing. Allele origin: germline.
Comment: This sequence change replaces isoleucine, which is neutral and non-polar, with threonine, which is neutral and polar, at codon 564 of the HK1 protein (p.Ile564Thr). This variant is present in population databases (rs751869864, gnomAD 0.003%). This variant has not been reported in the literature in individuals affected with HK1-related conditions. ClinVar contains an entry for this variant (Variation ID: 1353963). Advanced modeling of protein sequence and biophysical properties (such as structural, functional, and spatial information, amino acid conservation, physicochemical variation, residue mobility, and thermodynamic stability) performed at Invitae indicates that this missense variant is not expected to disrupt HK1 protein function with a negative predictive value of 80%. In summary, the available evidence is currently insufficient to determine the role of this variant in disease. Therefore, it has been classified as a Variant of Uncertain Significance.

NM_000188.3(HK1):c.1691T>C (p.Ile564Thr)

Gene: HK1 (hexokinase 1; plus strand). Cytogenetic location: 10q22.1.
Variant type: single nucleotide variant.
Coding change: c.1691T>C on transcript NM_000188.3 (MANE Select); coding-DNA position 1691, T replaced by C.
Protein change: p.Ile564Thr; replaces isoleucine 564 with threonine.
Molecular consequence: missense variant.
Genome position (GRCh38, 1-based): chr10:69,384,453, T>C. VCF-style: chr10-69384453-T-C. GRCh37 (hg19) VCF-style: chr10-71144209-T-C.
Other names: c.1703T>C, p.Ile568Thr (NM_001322364.2, NM_001358263.1, NM_033497.3 and 1 more transcripts); c.1796T>C, p.Ile599Thr (NM_001322365.2); c.1607T>C, p.Ile536Thr (NM_001322366.1); c.1595T>C, p.Ile532Thr (NM_001322367.1); c.1688T>C, p.Ile563Thr (NM_033496.3); c.1655T>C, p.Ile552Thr (NM_033500.2); c.1691T>C (NM_000188.2); short protein forms I536T, I564T, I568T, I599T, I532T, I552T, I563T.
Identifiers: ClinVar variation 1353963 (VCV001353963.7), dbSNP rs751869864, ClinGen allele CA5532654.